The following is an entry in ClinVar:

NM_005732.4(RAD50):c.3805C>T (p.His1269Tyr)

Genes: RAD50 (RAD50 double strand break repair protein; plus strand), TH2LCRR (T helper type 2 locus control region associated RNA; minus strand). Cytogenetic location: 5q31.1.
Variant type: single nucleotide variant.
Coding change: c.3805C>T on transcript NM_005732.4 (MANE Select); coding-DNA position 3805, C replaced by T.
Protein change: p.His1269Tyr; replaces histidine 1269 with tyrosine.
Molecular consequence: missense variant. On other transcripts: non-coding transcript variant (1).
Genome position (GRCh38, 1-based): chr5:132,642,230, C>T. VCF-style: chr5-132642230-C-T. GRCh37 (hg19) VCF-style: chr5-131977922-C-T.
Other names: short protein forms H1269Y.
Identifiers: ClinVar variation 232384 (VCV000232384.17), dbSNP rs876659730, ClinGen allele CA10578620.

ClinVar aggregate classification (germline): Uncertain significance. Review status: criteria provided, multiple submitters, no conflicts (2 of 4 stars). 3 submissions from 3 submitters: Uncertain significance (3). Last evaluated 2023-11-30.

Conditions:
Hereditary cancer-predisposing syndrome. Also called: Neoplastic Syndromes, Hereditary; Tumor predisposition; Hereditary Cancer Syndrome; Hereditary neoplastic syndrome. Identifiers: Orphanet 140162, MedGen C0027672, MeSH D009386, MONDO:0015356.
Nijmegen breakage syndrome-like disorder (NBSLD). Also called: MICROCEPHALY AND SPONTANEOUS CHROMOSOME INSTABILITY WITHOUT IMMUNODEFICIENCY; NBS-LIKE DISORDER; RAD50 DEFICIENCY. Identifiers: Orphanet 240760, MedGen C2751318, MONDO:0013118, OMIM 613078.

Allele frequency attached by ClinVar (database versions not stated): gnomAD exomes below 0.00001.
gnomAD v4.1: 1 of 1,614,142 alleles (0.000062%); highest among the groups gnomAD compares: Non-Finnish European, 0.000085%; no homozygotes.

Submissions (3):

Ambry Genetics
Classification: Uncertain significance for Hereditary cancer-predisposing syndrome. Last evaluated: 2023-11-30. Review status: criteria provided, single submitter. Criteria: Ambry Variant Classification Scheme 2023. Collection method: clinical testing. Allele origin: germline.
Comment: The p.H1269Y variant (also known as c.3805C>T), located in coding exon 25 of the RAD50 gene, results from a C to T substitution at nucleotide position 3805. The histidine at codon 1269 is replaced by tyrosine, an amino acid with similar properties. This amino acid position is highly conserved in available vertebrate species. In addition, this alteration is predicted to be deleterious by in silico analysis. Since supporting evidence is limited at this time, the clinical significance of this alteration remains unclear.

Labcorp Genetics (formerly Invitae), Labcorp
Classification: Uncertain significance for Hereditary cancer-predisposing syndrome. Last evaluated: 2023-09-03. Review status: criteria provided, single submitter. Criteria: Invitae Variant Classification Sherloc (09022015). Collection method: clinical testing. Allele origin: germline.
Comment: In summary, the available evidence is currently insufficient to determine the role of this variant in disease. Therefore, it has been classified as a Variant of Uncertain Significance. Advanced modeling of protein sequence and biophysical properties (such as structural, functional, and spatial information, amino acid conservation, physicochemical variation, residue mobility, and thermodynamic stability) performed at Invitae indicates that this missense variant is expected to disrupt RAD50 protein function. ClinVar contains an entry for this variant (Variation ID: 232384). This variant has not been reported in the literature in individuals affected with RAD50-related conditions. This variant is not present in population databases (gnomAD no frequency). This sequence change replaces histidine, which is basic and polar, with tyrosine, which is neutral and polar, at codon 1269 of the RAD50 protein (p.His1269Tyr).

Sema4
Classification: Uncertain significance for Nijmegen breakage syndrome-like disorder. Last evaluated: 2021-09-02. Review status: criteria provided, single submitter. Criteria: Sema4 Curation Guidelines. Collection method: curation. Allele origin: germline.
Comment: The RAD50 c.3805C>T (p.H1269Y) variant has not been reported in the literature to our knowledge. It was not observed in the large and broad cohorts of the Genome Aggregation Database. The variant has been reported in ClinVar (Variation ID 232384). Functional studies have not been performed, and in silico predictions of the variant's effect on protein function are inconclusive. The evidence is insufficient to meet ACMG/AMP criteria for classifying the variant as benign or pathogenic. Thus, the clinical significance of this variant is currently uncertain.